The following is an entry in ClinVar:

ClinVar aggregate classification (germline): Uncertain significance (1 of 4 stars; one submission).

Conditions:
Curry-Hall syndrome (WAD). Also called: WEYERS ACRODENTAL DYSOSTOSIS. Identifiers: Orphanet 952, MedGen C0457013, MONDO:0008673, OMIM 193530.
Ellis-van Creveld syndrome (EVC). Also called: MESOECTODERMAL DYSPLASIA; EVC-Related Ellis-van Creveld Syndrome; EVC2-Related Ellis-van Creveld Syndrome; Chondroectodermal dysplasia. Identifiers: Orphanet 289, MedGen C0013903, MONDO:0009162, OMIM 225500.

gnomAD v4.1: 4 of 1,614,034 alleles (0.00025%); highest among the groups gnomAD compares: Middle Eastern, 0.016%; no homozygotes.

Submission:

Labcorp Genetics (formerly Invitae), Labcorp
Classification: Uncertain significance for Curry-Hall syndrome; Ellis-van Creveld syndrome. Last evaluated: 2022-05-03. Review status: criteria provided, single submitter. Criteria: Invitae Variant Classification Sherloc (09022015). Collection method: clinical testing. Allele origin: germline.
Comment: This sequence change replaces serine, which is neutral and polar, with arginine, which is basic and polar, at codon 403 of the EVC2 protein (p.Ser403Arg). This variant is not present in population databases (gnomAD no frequency). This variant has not been reported in the literature in individuals affected with EVC2-related conditions. Algorithms developed to predict the effect of missense changes on protein structure and function are either unavailable or do not agree on the potential impact of this missense change (SIFT: "Tolerated"; PolyPhen-2: "Probably Damaging"; Align-GVGD: "Class C0"). In summary, the available evidence is currently insufficient to determine the role of this variant in disease. Therefore, it has been classified as a Variant of Uncertain Significance.

NM_147127.5(EVC2):c.1209C>A (p.Ser403Arg)

Genes: EVC2 (EvC ciliary complex subunit 2; minus strand), LOC126806961 (BRD4-independent group 4 enhancer GRCh37_chr4:5641443-5642642; plus strand). Cytogenetic location: 4p16.2.
Variant type: single nucleotide variant.
Coding change: c.1209C>A on transcript NM_147127.5 (MANE Select); coding-DNA position 1209, C replaced by A.
Protein change: p.Ser403Arg; replaces serine 403 with arginine.
Molecular consequence: missense variant.
Genome position (GRCh38, 1-based): chr4:5,640,775, G>T on the plus strand (C>A on the coding strand, the complement: EVC2 is on the minus strand). VCF-style: chr4-5640775-G-T. GRCh37 (hg19) VCF-style: chr4-5642502-G-T.
Other names: c.969C>A, p.Ser323Arg (NM_001166136.2); short protein forms S323R, S403R.
Identifiers: ClinVar variation 2138881 (VCV002138881.1), dbSNP rs772660326, ClinGen allele CA2835117.